The following is an entry in ClinVar:

NM_001126108.2(SLC12A3):c.2285+1del

Gene: SLC12A3 (solute carrier family 12 member 3; plus strand). Cytogenetic location: 16q13.
Variant type: Deletion.
Coding change: c.2285+1del on transcript NM_001126108.2 (MANE Select); the canonical splice donor site of the intron after coding-DNA position 2285, one base deleted (G; older notation c.2285+1delG).
Molecular consequence: splice donor variant.
Genome position (GRCh38, 1-based): chr16:56,888,032, G deleted. VCF-style (leftmost placement, unchanged base first): chr16-56888031-AG-A. GRCh37 (hg19) VCF-style: chr16-56921943-AG-A.
Other names: c.2285+1del (NM_000339.3); c.2282+1del (NM_001126107.2, NM_001410896.1).
Identifiers: ClinVar variation 2111209 (VCV002111209.4), dbSNP rs2055342679, ClinGen allele CA2224358108.
Genomic context (GRCh38, chr16:56,888,031, plus strand): 5'-TCAAGAAGAACTGGCAGTCGGCTCACCCGGCCACAGTGGAAGACTACATTGGCATCCTCC[AG>A]TGAGTCGGGGGAGAGGAAGGGGCTTGGGGTCTGTTAATTTGGGCCCATTGGGCCTTGAGA-3'

ClinVar aggregate classification (germline): Pathogenic (1 of 4 stars; one submission).

Submission:

Labcorp Genetics (formerly Invitae), Labcorp
Classification: Pathogenic. Last evaluated: 2022-09-26. Review status: criteria provided, single submitter. Criteria: Invitae Variant Classification Sherloc (09022015). Collection method: clinical testing. Allele origin: germline.
Comment: For these reasons, this variant has been classified as Pathogenic. Algorithms developed to predict the effect of sequence changes on RNA splicing suggest that this variant may disrupt the consensus splice site. This variant has not been reported in the literature in individuals affected with SLC12A3-related conditions. This variant is not present in population databases (gnomAD no frequency). This sequence change affects a splice site in intron 18 of the SLC12A3 gene. It is expected to disrupt RNA splicing. Variants that disrupt the donor or acceptor splice site typically lead to a loss of protein function (PMID: 16199547), and loss-of-function variants in SLC12A3 are known to be pathogenic (PMID: 20848653, 22009145, 25841442).

Literature cited by the submitters: PubMed 16199547; PubMed 20848653; PubMed 22009145; PubMed 25841442.